The following is an entry in ClinVar:

NM_033118.4(MYLK2):c.1303C>T (p.Pro435Ser)

Gene: MYLK2 (myosin light chain kinase 2; plus strand). Cytogenetic location: 20q11.21.
Variant type: single nucleotide variant.
Coding change: c.1303C>T on transcript NM_033118.4 (MANE Select); coding-DNA position 1303, C replaced by T.
Protein change: p.Pro435Ser; replaces proline 435 with serine.
Molecular consequence: missense variant.
Genome position (GRCh38, 1-based): chr20:31,831,020, C>T. VCF-style: chr20-31831020-C-T. GRCh37 (hg19) VCF-style: chr20-30418823-C-T.
Other names: short protein forms P435S.
Identifiers: ClinVar variation 1769459 (VCV001769459.3), dbSNP rs763614398, ClinGen allele CA9803186.

ClinVar aggregate classification (germline): Uncertain significance (1 of 4 stars; one submission).

Allele frequency attached by ClinVar (database versions not stated): TOPMed below 0.00001; ExAC 0.00001; gnomAD exomes 0.00001.
gnomAD v4.1: 19 of 1,614,134 alleles (0.0012%); highest among the groups gnomAD compares: Non-Finnish European, 0.0016%; no homozygotes.

Submission:

Ambry Genetics
Classification: Uncertain significance. Last evaluated: 2024-09-17. Review status: criteria provided, single submitter. Criteria: Ambry Variant Classification Scheme 2023. Collection method: clinical testing. Allele origin: germline.
Comment: The p.P435S variant (also known as c.1303C>T), located in coding exon 9 of the MYLK2 gene, results from a C to T substitution at nucleotide position 1303. The proline at codon 435 is replaced by serine, an amino acid with similar properties. This amino acid position is conserved. In addition, this alteration is predicted to be tolerated by in silico analysis. Since supporting evidence is limited at this time, the clinical significance of this alteration remains unclear.